The following is an entry in ClinVar:

ClinVar aggregate classification (germline): Uncertain significance (1 of 4 stars; one submission).

Allele frequency attached by ClinVar (database versions not stated): gnomAD exomes 0.00001; ExAC 0.00002.
gnomAD v4.1: 17 of 1,614,158 alleles (0.0011%); highest among the groups gnomAD compares: South Asian, 0.0033%; no homozygotes.

Submission:

Labcorp Genetics (formerly Invitae), Labcorp
Classification: Uncertain significance. Last evaluated: 2022-11-17. Review status: criteria provided, single submitter. Criteria: Invitae Variant Classification Sherloc (09022015). Collection method: clinical testing. Allele origin: germline.
Comment: In summary, the available evidence is currently insufficient to determine the role of this variant in disease. Therefore, it has been classified as a Variant of Uncertain Significance. Algorithms developed to predict the effect of missense changes on protein structure and function are either unavailable or do not agree on the potential impact of this missense change (SIFT: "Tolerated"; PolyPhen-2: "Not Available"; Align-GVGD: "Class C0"). This variant has not been reported in the literature in individuals affected with MARVELD2-related conditions. This variant is present in population databases (rs199777123, gnomAD 0.006%). This sequence change replaces arginine, which is basic and polar, with cysteine, which is neutral and slightly polar, at codon 13 of the MARVELD2 protein (p.Arg13Cys).

NM_001038603.3(MARVELD2):c.37C>T (p.Arg13Cys)

Gene: MARVELD2 (MARVEL domain containing 2; plus strand). Cytogenetic location: 5q13.2.
Variant type: single nucleotide variant.
Coding change: c.37C>T on transcript NM_001038603.3 (MANE Select); coding-DNA position 37, C replaced by T.
Protein change: p.Arg13Cys; replaces arginine 13 with cysteine.
Molecular consequence: missense variant.
Genome position (GRCh38, 1-based): chr5:69,419,422, C>T. VCF-style: chr5-69419422-C-T. GRCh37 (hg19) VCF-style: chr5-68715249-C-T.
Other names: c.37C>T, p.Arg13Cys (NM_001244734.2); short protein forms R13C.
Identifiers: ClinVar variation 3007738 (VCV003007738.3), dbSNP rs199777123, ClinGen allele CA3293950.